The following is an entry in ClinVar:

NM_004655.4(AXIN2):c.1665C>A (p.Cys555Ter)

Gene: AXIN2 (axin 2; minus strand). Cytogenetic location: 17q24.1.
Variant type: single nucleotide variant.
Coding change: c.1665C>A on transcript NM_004655.4 (MANE Select); coding-DNA position 1665, C replaced by A.
Protein change: p.Cys555Ter; replaces cysteine 555 with a stop codon.
Molecular consequence: nonsense.
Genome position (GRCh38, 1-based): chr17:65,537,371, G>T on the plus strand (C>A on the coding strand, the complement: AXIN2 is on the minus strand). VCF-style: chr17-65537371-G-T. GRCh37 (hg19) VCF-style: chr17-63533489-G-T.
Other names: c.1665C>A, p.Cys555Ter (NM_001363813.1); short protein forms C555*.
Identifiers: ClinVar variation 1209524 (VCV001209524.3), dbSNP rs562421443, ClinGen allele CA400676886.

ClinVar aggregate classification (germline): Uncertain significance (1 of 4 stars; one submission).

Submission:

GeneDx
Classification: Uncertain significance. Last evaluated: 2019-08-22. Review status: criteria provided, single submitter. Criteria: GeneDx Variant Classification Process June 2021. Collection method: clinical testing. Allele origin: germline. Affected: yes.
Comment: Not observed in large population cohorts (Lek et al., 2016); Nonsense variant predicted to result in protein truncation or nonsense mediated decay; conflicting evidence is present regarding the loss-of-function disease mechanism in AXIN2 (Yochum 2012, Mazzoni 2015) ***** SHOULD BE PM_A language: Nonsense variant predicted to result in protein truncation [or nonsense mediated decay] in a gene for which loss-of-function is not a known mechanism of disease *******; Has not been previously published as pathogenic or benign to our knowledge